The following is an entry in ClinVar:

NM_012123.4(MTO1):c.862A>C (p.Asn288His)

Gene: MTO1 (mitochondrial tRNA translation optimization 1; plus strand). Cytogenetic location: 6q13.
Variant type: single nucleotide variant.
Coding change: c.862A>C on transcript NM_012123.4 (MANE Select); coding-DNA position 862, A replaced by C.
Protein change: p.Asn288His; replaces asparagine 288 with histidine.
Molecular consequence: missense variant.
Genome position (GRCh38, 1-based): chr6:73,479,768, A>C. VCF-style: chr6-73479768-A-C. GRCh37 (hg19) VCF-style: chr6-74189491-A-C.
Other names: c.862A>C, p.Asn288His (NM_001123226.2, NM_133645.3); short protein forms N288H.
Identifiers: ClinVar variation 2042622 (VCV002042622.2), dbSNP rs1771432342, ClinGen allele CA364714367.

ClinVar aggregate classification (germline): Uncertain significance (1 of 4 stars; one submission).

Conditions:
Mitochondrial hypertrophic cardiomyopathy with lactic acidosis due to MTO1 deficiency. Also called: Combined oxidative phosphorylation deficiency 10; CARDIOMYOPATHY, INFANTILE HYPERTROPHIC MITOCHONDRIAL, AND LACTIC ACIDOSIS. Identifiers: Orphanet 314637, MedGen C4749921, MONDO:0013865, OMIM 614702.

Allele frequency attached by ClinVar (database versions not stated): TOPMed below 0.00001; gnomAD exomes 0.00001.
gnomAD v4.1: 6 of 1,613,882 alleles (0.00037%); highest among the groups gnomAD compares: Non-Finnish European, 0.00051%; no homozygotes.

Submission:

Labcorp Genetics (formerly Invitae), Labcorp
Classification: Uncertain significance for Mitochondrial hypertrophic cardiomyopathy with lactic acidosis due to MTO1 deficiency. Last evaluated: 2021-12-27. Review status: criteria provided, single submitter. Criteria: Invitae Variant Classification Sherloc (09022015). Collection method: clinical testing. Allele origin: germline.
Comment: In summary, the available evidence is currently insufficient to determine the role of this variant in disease. Therefore, it has been classified as a Variant of Uncertain Significance. Algorithms developed to predict the effect of missense changes on protein structure and function are either unavailable or do not agree on the potential impact of this missense change (SIFT: "Deleterious"; PolyPhen-2: "Possibly Damaging"; Align-GVGD: "Class C0"). This variant has not been reported in the literature in individuals affected with MTO1-related conditions. This variant is not present in population databases (gnomAD no frequency). This sequence change replaces asparagine, which is neutral and polar, with histidine, which is basic and polar, at codon 288 of the MTO1 protein (p.Asn288His).